The following is an entry in ClinVar:

ClinVar aggregate classification (germline): Uncertain significance (1 of 4 stars; one submission).

Conditions:
Tuberous sclerosis syndrome (TSC). Also called: Tuberous Sclerosis Complex; Tuberous sclerosis. Identifiers: Orphanet 805, MedGen C0041341, MONDO:0001734.

Submission:

All of Us Research Program, National Institutes of Health
Classification: Uncertain significance for Tuberous sclerosis syndrome. Last evaluated: 2023-08-15. Review status: criteria provided, single submitter. Criteria: ACMG Guidelines, 2015. Collection method: clinical testing. Allele origin: germline. Inheritance: Autosomal dominant inheritance. Observed: 1 variant allele, 1 heterozygote.
Comment: This study involves interpretation of variants in research participants for the purpose of population health screening. Participant phenotype was not available at the time of variant classification. Additional details can be found in publication PMID: 35346344, PMCID: PMC8962531

NM_000548.5(TSC2):c.2379G>T (p.Glu793Asp)

Gene: TSC2 (TSC complex subunit 2; plus strand). Cytogenetic location: 16p13.3.
Variant type: single nucleotide variant.
Coding change: c.2379G>T on transcript NM_000548.5 (MANE Select); coding-DNA position 2379, G replaced by T.
Protein change: p.Glu793Asp; replaces glutamic acid 793 with aspartic acid.
Molecular consequence: missense variant. On other transcripts: non-coding transcript variant (5).
Genome position (GRCh38, 1-based): chr16:2,074,223, G>T. VCF-style: chr16-2074223-G-T. GRCh37 (hg19) VCF-style: chr16-2124224-G-T.
Other names: c.2379G>T, p.Glu793Asp (NM_001077183.3, NM_001114382.3, NM_001363528.2 and 6 more transcripts); c.2268G>T, p.Glu756Asp (NM_001318827.2, NM_001406670.1, NM_001406678.1); c.2232G>T, p.Glu744Asp (NM_001318829.2, NM_001406675.1, NM_001406676.1 and 1 more transcripts); c.1779G>T, p.Glu593Asp (NM_001318831.2, NM_001406680.1, NM_001406682.1 and 6 more transcripts); c.2412G>T, p.Glu804Asp (NM_001318832.2); c.2469G>T, p.Glu823Asp (NM_001406667.1, NM_001406668.1); c.2367G>T, p.Glu789Asp (NM_001406671.1, NM_001406673.1); c.2322G>T, p.Glu774Asp (NM_001406677.1); and 3 more; short protein forms E259D, E345D, E593D, E639D, E744D, E756D, E774D, E789D.
Identifiers: ClinVar variation 3072573 (VCV003072573.1), dbSNP rs2151347499, ClinGen allele CA394277028.
Genomic context (GRCh38, chr16:2,074,223, plus strand): 5'-CAAGCGGGTGGGGCCTGAGGTGTCCTGTCTCCTGCAGCGCGAGATGGTCTACTGCCTGGA[G>T]CAGGGCCTCATCCACCGCTGTGCCAGCCAGTGCGTCGTGGCCTTGTCCATCTGCAGCGTG-3'
Protein context (NP_000539.2, residues 783-803): TKQREMVYCL[Glu793Asp]QGLIHRCASQ